The following is an entry in ClinVar:

NM_001927.4(DES):c.113C>T (p.Ala38Val)

Gene: DES (desmin; plus strand). Cytogenetic location: 2q35.
Variant type: single nucleotide variant.
Coding change: c.113C>T on transcript NM_001927.4 (MANE Select); coding-DNA position 113, C replaced by T.
Protein change: p.Ala38Val; replaces alanine 38 with valine.
Molecular consequence: missense variant.
Genome position (GRCh38, 1-based): chr2:219,418,575, C>T. VCF-style: chr2-219418575-C-T. GRCh37 (hg19) VCF-style: chr2-220283297-C-T.
Other names: c.113C>T, p.Ala38Val (NM_001382708.1, NM_001382709.1, NM_001382710.1 and 3 more transcripts); short protein forms A38V.
Identifiers: ClinVar variation 3271653 (VCV003271653.1).
Genomic context (GRCh38, chr2:219,418,575, plus strand): 5'-TCGGCGGGGCCCCGGGCTTCCCACTCGGCTCCCCGCTGAGTTCGCCCGTGTTCCCGCGGG[C>T]GGGTTTCGGCTCTAAGGGCTCCTCCAGCTCGGTGACGTCCCGCGTGTACCAGGTGTCGCG-3'
Protein context (NP_001918.3, residues 28-48): SPLSSPVFPR[Ala38Val]GFGSKGSSSS

ClinVar aggregate classification (germline): Uncertain significance (1 of 4 stars; one submission).

Conditions:
Cardiovascular phenotype. Identifiers: MedGen CN230736.

Submission:

Ambry Genetics
Classification: Uncertain significance for Cardiovascular phenotype. Last evaluated: 2024-03-15. Review status: criteria provided, single submitter. Criteria: Ambry Variant Classification Scheme 2023. Collection method: clinical testing. Allele origin: germline.
Comment: The p.A38V variant (also known as c.113C>T), located in coding exon 1 of the DES gene, results from a C to T substitution at nucleotide position 113. The alanine at codon 38 is replaced by valine, an amino acid with similar properties. This amino acid position is conserved. In addition, this alteration is predicted to be tolerated by in silico analysis. Based on the available evidence, the clinical significance of this alteration remains unclear.